The following is an entry in ClinVar:

ClinVar aggregate classification (germline): Uncertain significance (1 of 4 stars; one submission).

Conditions:
Charcot-Marie-Tooth disease dominant intermediate B (CMTDIB). Also called: CHARCOT-MARIE-TOOTH NEUROPATHY, DOMINANT INTERMEDIATE B; Charcot-Marie-Tooth disease dominant intermediate 1; CMT DI1; Charcot-Marie-Tooth disease dominant intermediate I. Identifiers: Orphanet 100044, Orphanet 228179, MedGen C1847902, MONDO:0011674, OMIM 606482.

Submission:

Labcorp Genetics (formerly Invitae), Labcorp
Classification: Uncertain significance for Charcot-Marie-Tooth disease dominant intermediate B. Last evaluated: 2022-08-24. Review status: criteria provided, single submitter. Criteria: Invitae Variant Classification Sherloc (09022015). Collection method: clinical testing. Allele origin: germline.
Comment: In summary, the available evidence is currently insufficient to determine the role of this variant in disease. Therefore, it has been classified as a Variant of Uncertain Significance. Algorithms developed to predict the effect of missense changes on protein structure and function are either unavailable or do not agree on the potential impact of this missense change (SIFT: "Tolerated"; PolyPhen-2: "Possibly Damaging"; Align-GVGD: "Class C0"). This variant has not been reported in the literature in individuals affected with DNM2-related conditions. This variant is not present in population databases (gnomAD no frequency). This sequence change replaces asparagine, which is neutral and polar, with histidine, which is basic and polar, at codon 569 of the DNM2 protein (p.Asn569His).

NM_001005361.3(DNM2):c.1705A>C (p.Asn569His)

Gene: DNM2 (dynamin 2; plus strand). Cytogenetic location: 19p13.2.
Variant type: single nucleotide variant.
Coding change: c.1705A>C on transcript NM_001005361.3 (MANE Select); coding-DNA position 1705, A replaced by C.
Protein change: p.Asn569His; replaces asparagine 569 with histidine.
Molecular consequence: missense variant.
Genome position (GRCh38, 1-based): chr19:10,820,013, A>C. VCF-style: chr19-10820013-A-C. GRCh37 (hg19) VCF-style: chr19-10930689-A-C.
Other names: c.1705A>C, p.Asn569His (NM_001005360.3, NM_001190716.2); c.1693A>C, p.Asn565His (NM_001005362.3, NM_004945.4); short protein forms N565H, N569H.
Identifiers: ClinVar variation 1966994 (VCV001966994.5), dbSNP rs2513333361, ClinGen allele CA404040370.
Genomic context (GRCh38, chr19:10,820,013, plus strand): 5'-GGGTGACTCTTTTCCCTCCACCCTCAGGAGAAAGAGAAGAAGTACATGCTGCCTCTGGAC[A>C]ACCTCAAGATCCGTGATGTGGAGAAGGGCTTCATGTCCAACAAGCACGTCTTCGCCATCT-3'
Protein context (NP_001005361.1, residues 559-579): KEKKYMLPLD[Asn569His]LKIRDVEKGF